The following is an entry in ClinVar:

ClinVar aggregate classification (germline): Likely benign (0 of 4 stars; one submission).

Conditions:
SHROOM3-related disorder. Also called: SHROOM3-related condition.

Allele frequency attached by ClinVar (database versions not stated): gnomAD 0.00001.
gnomAD v4.1: 2 of 1,604,724 alleles (0.00012%); highest among the groups gnomAD compares: East Asian, 0.0022%; no homozygotes.

Submission:

PreventionGenetics, part of Exact Sciences
Classification: Likely benign for SHROOM3-related condition. Last evaluated: 2019-08-01. Review status: no assertion criteria provided. Collection method: clinical testing. Allele origin: germline.
Comment: This variant is classified as likely benign based on ACMG/AMP sequence variant interpretation guidelines (Richards et al. 2015 PMID: 25741868, with internal and published modifications).

NM_020859.4(SHROOM3):c.2643G>C (p.Pro881=)

Genes: SHROOM3 (shroom family member 3; plus strand), SHROOM3-AS1 (SHROOM3 antisense RNA 1; minus strand). Cytogenetic location: 4q21.1.
Variant type: single nucleotide variant.
Coding change: c.2643G>C on transcript NM_020859.4 (MANE Select); coding-DNA position 2643, G replaced by C.
Protein change: p.Pro881=; no amino-acid change (proline 881 retained).
Molecular consequence: synonymous variant.
Genome position (GRCh38, 1-based): chr4:76,740,816, G>C. VCF-style: chr4-76740816-G-C. GRCh37 (hg19) VCF-style: chr4-77661969-G-C.
Identifiers: ClinVar variation 3035613 (VCV003035613.2), dbSNP rs756455284, ClinGen allele CA440220094.
Genomic context (GRCh38, chr4:76,740,816, plus strand): 5'-GCCCTGCGGTCAGCAGCTGAGCGGAGGAGCGTCGGACAGCGGCCGTGGCCCCCAGAGGCC[G>C]GACGCTCGGCTCCTCCGTAGCCAGAGCACCTTCCAGCTCTCCAGCGAGCCAGAGAGGGAG-3'
Protein context (NP_065910.3, residues 871-891): ASDSGRGPQR[Pro881=]DARLLRSQST